The following is an entry in ClinVar:

ClinVar aggregate classification (germline): Uncertain significance (1 of 4 stars; one submission).

Conditions:
Hereditary cancer-predisposing syndrome. Also called: Neoplastic Syndromes, Hereditary; Tumor predisposition; Hereditary Cancer Syndrome; Hereditary neoplastic syndrome. Identifiers: Orphanet 140162, MedGen C0027672, MeSH D009386, MONDO:0015356.

Submission:

Ambry Genetics
Classification: Uncertain significance for Hereditary cancer-predisposing syndrome. Last evaluated: 2024-09-25. Review status: criteria provided, single submitter. Criteria: Ambry Variant Classification Scheme 2023. Collection method: clinical testing. Allele origin: germline.
Comment: The p.Q589E variant (also known as c.1765C>G), located in coding exon 11 of the RAD50 gene, results from a C to G substitution at nucleotide position 1765. The glutamine at codon 589 is replaced by glutamic acid, an amino acid with highly similar properties. This amino acid position is conserved. In addition, this alteration is predicted to be tolerated by in silico analysis. Based on the available evidence, the clinical significance of this variant remains unclear.

NM_005732.4(RAD50):c.1765C>G (p.Gln589Glu)

Gene: RAD50 (RAD50 double strand break repair protein; plus strand). Cytogenetic location: 5q31.1.
Variant type: single nucleotide variant.
Coding change: c.1765C>G on transcript NM_005732.4 (MANE Select); coding-DNA position 1765, C replaced by G.
Protein change: p.Gln589Glu; replaces glutamine 589 with glutamic acid.
Molecular consequence: missense variant.
Genome position (GRCh38, 1-based): chr5:132,592,006, C>G. VCF-style: chr5-132592006-C-G. GRCh37 (hg19) VCF-style: chr5-131927698-C-G.
Other names: short protein forms Q589E.
Identifiers: ClinVar variation 3429503 (VCV003429503.1).